The following is an entry in ClinVar:

ClinVar aggregate classification (germline): Uncertain significance (1 of 4 stars; one submission).

Submission:

Labcorp Genetics (formerly Invitae), Labcorp
Classification: Uncertain significance. Last evaluated: 2022-01-15. Review status: criteria provided, single submitter. Criteria: Invitae Variant Classification Sherloc (09022015). Collection method: clinical testing. Allele origin: germline.
Comment: In summary, the available evidence is currently insufficient to determine the role of this variant in disease. Therefore, it has been classified as a Variant of Uncertain Significance. Algorithms developed to predict the effect of sequence changes on RNA splicing suggest that this variant is not likely to affect RNA splicing. This variant has not been reported in the literature in individuals affected with KMT2B-related conditions. This variant is not present in population databases (gnomAD no frequency). This sequence change falls in intron 2 of the KMT2B gene. It does not directly change the encoded amino acid sequence of the KMT2B protein.

NM_014727.3(KMT2B):c.437-9T>C

Gene: KMT2B (lysine methyltransferase 2B; plus strand). Cytogenetic location: 19q13.12.
Variant type: single nucleotide variant.
Coding change: c.437-9T>C on transcript NM_014727.3 (MANE Select); 9 bases into the intron before coding-DNA position 437, T replaced by C.
Molecular consequence: intron variant.
Genome position (GRCh38, 1-based): chr19:35,719,775, T>C. VCF-style: chr19-35719775-T-C. GRCh37 (hg19) VCF-style: chr19-36210677-T-C.
Identifiers: ClinVar variation 1910436 (VCV001910436.5), dbSNP rs2513310999, ClinGen allele CA2580096816.